The following is an entry in ClinVar:

ClinVar aggregate classification (germline): Conflicting classifications of pathogenicity. Review status: criteria provided, conflicting classifications (1 of 4 stars). 2 submissions from 2 submitters: Uncertain significance (1); Likely benign (1). Last evaluated 2025-02-03.

Conditions:
Acute myeloid leukemia (AML). Also called: Acute myeloid leukemia, adult; AML adult; Acute non-lymphocytic leukemia; Acute granulocytic leukemia; Leukemia, acute myeloid, somatic; Leukemia, acute myelogenous, somatic. Identifiers: Orphanet 519, MedGen C0023467, MeSH D015470, MONDO:0018874, OMIM 601626, HP:0004808. Disease mechanism: Constitutively activated FLT3.
Inborn genetic diseases. Identifiers: MedGen C0950123, MeSH D030342.

Submissions (2):

Ambry Genetics
Classification: Likely benign for Inborn genetic diseases. Last evaluated: 2025-02-03. Review status: criteria provided, single submitter. Criteria: Ambry Variant Classification Scheme 2023. Collection method: clinical testing. Allele origin: germline.

Labcorp Genetics (formerly Invitae), Labcorp
Classification: Uncertain significance for Acute myeloid leukemia. Last evaluated: 2024-04-24. Review status: criteria provided, single submitter. Criteria: Invitae Variant Classification Sherloc (09022015). Collection method: clinical testing. Allele origin: germline.
Comment: This sequence change replaces proline, which is neutral and non-polar, with serine, which is neutral and polar, at codon 247 of the CEBPA protein (p.Pro247Ser). This variant is not present in population databases (gnomAD no frequency). This variant has not been reported in the literature in individuals affected with CEBPA-related conditions. Advanced modeling of protein sequence and biophysical properties (such as structural, functional, and spatial information, amino acid conservation, physicochemical variation, residue mobility, and thermodynamic stability) performed at Invitae indicates that this missense variant is not expected to disrupt CEBPA protein function with a negative predictive value of 80%. In summary, the available evidence is currently insufficient to determine the role of this variant in disease. Therefore, it has been classified as a Variant of Uncertain Significance.

NM_004364.5(CEBPA):c.739C>T (p.Pro247Ser)

Gene: CEBPA (CCAAT enhancer binding protein alpha; minus strand). Cytogenetic location: 19q13.11.
Variant type: single nucleotide variant.
Coding change: c.739C>T on transcript NM_004364.5 (MANE Select); coding-DNA position 739, C replaced by T.
Protein change: p.Pro247Ser; replaces proline 247 with serine.
Molecular consequence: missense variant.
Genome position (GRCh38, 1-based): chr19:33,301,676, G>A on the plus strand (C>T on the coding strand, the complement: CEBPA is on the minus strand). VCF-style: chr19-33301676-G-A. GRCh37 (hg19) VCF-style: chr19-33792582-G-A.
Other names: c.382C>T, p.Pro128Ser (NM_001285829.2); c.844C>T, p.Pro282Ser (NM_001287424.2); c.697C>T, p.Pro233Ser (NM_001287435.2); short protein forms P247S, P233S, P128S, P282S.
Identifiers: ClinVar variation 3694734 (VCV003694734.3).